The following is an entry in ClinVar:

ClinVar aggregate classification (germline): Uncertain significance. Review status: criteria provided, multiple submitters, no conflicts (2 of 4 stars). 2 submissions from 2 submitters: Uncertain significance (2). Last evaluated 2022-08-03.

gnomAD v4.1: 17 of 1,600,976 alleles (0.0011%); highest among the groups gnomAD compares: Non-Finnish European, 0.00042%; no homozygotes.

Submissions (2):

Ambry Genetics
Classification: Uncertain significance. Last evaluated: 2022-08-03. Review status: criteria provided, single submitter. Criteria: Ambry Variant Classification Scheme 2023. Collection method: clinical testing. Allele origin: germline.

Labcorp Genetics (formerly Invitae), Labcorp
Classification: Uncertain significance. Last evaluated: 2022-03-26. Review status: criteria provided, single submitter. Criteria: Invitae Variant Classification Sherloc (09022015). Collection method: clinical testing. Allele origin: germline.
Comment: This sequence change replaces alanine, which is neutral and non-polar, with proline, which is neutral and non-polar, at codon 100 of the CFD protein (p.Ala100Pro). This variant is present in population databases (rs374520010, gnomAD 0.06%). This variant has not been reported in the literature in individuals affected with CFD-related conditions. Algorithms developed to predict the effect of missense changes on protein structure and function are either unavailable or do not agree on the potential impact of this missense change (SIFT: "Not Available"; PolyPhen-2: "Benign"; Align-GVGD: "Not Available"). In summary, the available evidence is currently insufficient to determine the role of this variant in disease. Therefore, it has been classified as a Variant of Uncertain Significance.

NM_001928.4(CFD):c.298G>C (p.Ala100Pro)

Gene: CFD (complement factor D; plus strand). Cytogenetic location: 19p13.3.
Variant type: single nucleotide variant.
Coding change: c.298G>C on transcript NM_001928.4 (MANE Select); coding-DNA position 298, G replaced by C.
Protein change: p.Ala100Pro; replaces alanine 100 with proline.
Molecular consequence: missense variant.
Genome position (GRCh38, 1-based): chr19:860,946, G>C. VCF-style: chr19-860946-G-C. GRCh37 (hg19) VCF-style: chr19-860946-G-C.
Other names: c.319G>C, p.Ala107Pro (NM_001317335.2); short protein forms A100P, A107P.
Identifiers: ClinVar variation 2068742 (VCV002068742.2), dbSNP rs374520010, ClinGen allele CA9026291.